The following is an entry in ClinVar:

ClinVar aggregate classification (germline): Uncertain significance (1 of 4 stars; one submission).

Submission:

Labcorp Genetics (formerly Invitae), Labcorp
Classification: Uncertain significance. Last evaluated: 2022-11-21. Review status: criteria provided, single submitter. Criteria: Invitae Variant Classification Sherloc (09022015). Collection method: clinical testing. Allele origin: germline.
Comment: Variants that disrupt the consensus splice site are a relatively common cause of aberrant splicing (PMID: 17576681, 9536098). Algorithms developed to predict the effect of sequence changes on RNA splicing suggest that this variant may disrupt the consensus splice site. In summary, the available evidence is currently insufficient to determine the role of this variant in disease. Therefore, it has been classified as a Variant of Uncertain Significance. This variant has not been reported in the literature in individuals affected with DDX41-related conditions. This variant is not present in population databases (gnomAD no frequency). This sequence change affects codon 410 of the DDX41 mRNA. It is a 'silent' change, meaning that it does not change the encoded amino acid sequence of the DDX41 protein. This variant also falls at the last nucleotide of exon 11, which is part of the consensus splice site for this exon.

Literature cited by the submitters: PubMed 17576681; PubMed 9536098.

NM_016222.4(DDX41):c.1230G>A (p.Gln410=)

Gene: DDX41 (DEAD-box helicase 41; minus strand). Cytogenetic location: 5q35.3.
Variant type: single nucleotide variant.
Coding change: c.1230G>A on transcript NM_016222.4 (MANE Select); coding-DNA position 1230, G replaced by A.
Protein change: p.Gln410=; no amino-acid change (glutamine 410 retained).
Molecular consequence: synonymous variant.
Genome position (GRCh38, 1-based): chr5:177,513,353, C>T on the plus strand (G>A on the coding strand, the complement: DDX41 is on the minus strand). VCF-style: chr5-177513353-C-T. GRCh37 (hg19) VCF-style: chr5-176940354-C-T.
Other names: c.852G>A, p.Gln284= (NM_001321732.2, NM_001321830.2).
Identifiers: ClinVar variation 2815482 (VCV002815482.3), dbSNP rs1290351850, ClinGen allele CA447746669.